The following is an entry in ClinVar:

NM_000051.4(ATM):c.573dup (p.His192fs)

Gene: ATM (ATM serine/threonine kinase; plus strand). Cytogenetic location: 11q22.3.
Variant type: Duplication.
Coding change: c.573dup on transcript NM_000051.4 (MANE Select); coding-DNA position 573, one base duplicated (T; older notation c.573dupT).
Protein change: p.His192fs; shifts the reading frame from histidine 192.
Molecular consequence: frameshift variant.
Genome position (GRCh38, 1-based): chr11:108,244,029, T duplicated; the last of 2 consecutive T bases (chr11:108,244,028-108,244,029); duplicating either gives the same sequence. VCF-style (leftmost placement, unchanged base first): chr11-108244027-A-AT. GRCh37 (hg19) VCF-style: chr11-108114754-A-AT.
Other names: c.573dup, p.His192fs (NM_001351834.2); short protein forms H192fs.
Identifiers: ClinVar variation 3148583 (VCV003148583.1), dbSNP rs2497131456, ClinGen allele CA2825001753.
Genomic context (GRCh38, chr11:108,244,027, plus strand): 5'-TACTTCAGGCTCTATCTGAAACCTTCACAAGATGTTCATAGAGTTTTAGTGGCTAGAATA[A>AT]TTCATGCTGTTACCAAAGGATGCTGTTCTCAGACTGACGGATTAAATTCCAAATTTTTGG-3'

ClinVar aggregate classification (germline): Pathogenic (1 of 4 stars; one submission).

Conditions:
Familial cancer of breast. Also called: BREAST CANCER, FAMILIAL; Hereditary breast cancer; hereditary breast carcinoma. Identifiers: Orphanet 227535, MedGen C0346153, MONDO:0016419, OMIM 114480. Disease mechanism: loss of function.

Submission:

Myriad Genetics, Inc.
Classification: Pathogenic for Familial cancer of breast. Last evaluated: 2024-01-09. Review status: criteria provided, single submitter. Criteria: Myriad Autosomal Dominant, Autosomal Recessive and X-Linked Classification Criteria (2023). Collection method: clinical testing. Allele origin: unknown.
Comment: This variant is considered pathogenic. This variant creates a frameshift predicted to result in premature protein truncation.